The following is an entry in ClinVar:

NM_000112.4(SLC26A2):c.2032_2033delinsCT (p.Gly678Leu)

Gene: SLC26A2 (solute carrier family 26 member 2; plus strand). Cytogenetic location: 5q32.
Variant type: Indel.
Coding change: c.2032_2033delinsCT on transcript NM_000112.4 (MANE Select); coding-DNA positions 2032 to 2033, GG replaced by CT.
Protein change: p.Gly678Leu; replaces glycine 678 with leucine.
Molecular consequence: missense variant.
Genome position (GRCh38, 1-based): chr5:149,981,625-149,981,626, GG replaced by CT. VCF-style: chr5-149981625-GG-CT. GRCh37 (hg19) VCF-style: chr5-149361188-GG-CT.
Other names: short protein forms G678L.
Identifiers: ClinVar variation 1331381 (VCV001331381.7), dbSNP rs2113699627, ClinGen allele CA2573052455.
Genomic context (GRCh38, chr5:149,981,625, plus strand): 5'-TTTTTAGATACAGCAGGGATCCACACACTGAAAGAAGTTCGCAGAGATTATGAAGCCATT[GG>CT]AATCCAGGTTCTGCTGGCTCAGTGCAATCCCACTGTGAGGGATTCCCTAACCAACGGAGA-3'
Protein context (NP_000103.2, residues 668-688): KEVRRDYEAI[Gly678Leu]IQVLLAQCNP

ClinVar aggregate classification (germline): Conflicting classifications of pathogenicity. Review status: criteria provided, conflicting classifications (1 of 4 stars). 4 submissions from 4 submitters: Likely pathogenic (1); Uncertain significance (3). Last evaluated 2025-05-27.

Conditions:
Achondrogenesis, type IB (ACG1B). Also called: Achondrogenesis Type 1B. Identifiers: Orphanet 932, Orphanet 93298, MedGen C0265274, MONDO:0010966, OMIM 600972.
Diastrophic dysplasia (DTD). Also called: Diastrophic dwarfism. Identifiers: Orphanet 628, MedGen C0220726, MONDO:0009107, OMIM 222600.
Multiple epiphyseal dysplasia type 4 (EDM4). Also called: MULTIPLE EPIPHYSEAL DYSPLASIA WITH BILAYERED PATELLAE; MULTIPLE EPIPHYSEAL DYSPLASIA WITH CLUBFOOT; MULTIPLE EPIPHYSEAL DYSPLASIA, AUTOSOMAL RECESSIVE; SLC26A2-Related Multiple Epiphyseal Dysplasia; Multiple Epiphyseal Dysplasia, Recessive. Identifiers: Orphanet 93307, MedGen C1847593, MONDO:0009189, OMIM 226900.
Atelosteogenesis type II (AO2). Also called: NEONATAL OSSEOUS DYSPLASIA I; Neonatal osseous dysplasia 1; SLC26A2-Related Atelosteogenesis. Identifiers: Orphanet 56304, MedGen C1850554, MONDO:0009727, OMIM 256050.

Submissions (4):

Greenwood Genetic Center Diagnostic Laboratories, Greenwood Genetic Center
Classification: Uncertain significance. Last evaluated: 2025-05-27. Review status: criteria provided, single submitter. Criteria: ACMG Guidelines, 2015. Collection method: clinical testing. Allele origin: germline. Affected: yes.
Comment: PM2, PM5, PP3

GeneDx
Classification: Likely pathogenic. Last evaluated: 2023-08-14. Review status: criteria provided, single submitter. Criteria: GeneDx Variant Classification Process June 2021. Collection method: clinical testing. Allele origin: germline. Affected: yes.
Comment: Reported with a different pathogenic SLC26A2 variant in a patient with diastrophic dysplasia in published literature; it was unclear whether these variants were on the same or opposite alleles in this individual (Paganini et al., 2023); Not observed at significant frequency in large population cohorts (gnomAD); In silico analysis supports a deleterious effect on protein structure/function; This variant is associated with the following publications: (PMID: 37454964)

Labcorp Genetics (formerly Invitae), Labcorp
Classification: Uncertain significance for Atelosteogenesis type II; Multiple epiphyseal dysplasia type 4; Achondrogenesis, type IB; Diastrophic dysplasia. Last evaluated: 2022-09-19. Review status: criteria provided, single submitter. Criteria: Invitae Variant Classification Sherloc (09022015). Collection method: clinical testing. Allele origin: germline.
Comment: This sequence change replaces glycine, which is neutral and non-polar, with leucine, which is neutral and non-polar, at codon 678 of the SLC26A2 protein (p.Gly678Leu). This variant is present in population databases (no rsID available, gnomAD 0.07%). This missense change has been observed in individual(s) with clinical features of SLC26A2-related conditions (Invitae). In at least one individual the data is consistent with being in trans (on the opposite chromosome) from a pathogenic variant. ClinVar contains an entry for this variant (Variation ID: 1331381). Algorithms developed to predict the effect of missense changes on protein structure and function are either unavailable or do not agree on the potential impact of this missense change (SIFT: "Not Available"; PolyPhen-2: "Probably Damaging"; Align-GVGD: "Not Available"). This variant disrupts the p.Gly678 amino acid residue in SLC26A2. Other variant(s) that disrupt this residue have been observed in individuals with SLC26A2-related conditions (PMID: 8528239), which suggests that this may be a clinically significant amino acid residue. In summary, the available evidence is currently insufficient to determine the role of this variant in disease. Therefore, it has been classified as a Variant of Uncertain Significance.

Women's Health and Genetics/Laboratory Corporation of America, LabCorp
Classification: Uncertain significance. Last evaluated: 2021-12-01. Review status: criteria provided, single submitter. Criteria: LabCorp Variant Classification Summary - May 2015. Collection method: clinical testing. Allele origin: germline.
Comment: Variant summary: SLC26A2 c.2032_2033delinsCT (p.Gly678Leu) results in a non-conservative amino acid change located in the STAS domain (IPR002645) of the encoded protein sequence. Two of three in-silico tools predict a damaging effect of the variant on protein function. 4/4 computational tools predict no significant impact on normal splicing. However, these predictions have yet to be confirmed by functional studies. The variant allele was found at a frequency of 7.1e-06 in 282510 control chromosomes. The available data on variant occurrences in the general population are insufficient to allow any conclusion about variant significance. To our knowledge, no occurrence of c.2032_2033delinsCT in individuals affected with Sulfate Transporter-Related Osteochondrodysplasia and no experimental evidence demonstrating its impact on protein function have been reported. No clinical diagnostic laboratories have submitted clinical-significance assessments for this variant to ClinVar after 2014. Based on the evidence outlined above, the variant was classified as uncertain significance.

Literature cited by the submitters: PubMed 8528239 (cited by Labcorp Genetics (formerly Invitae), Labcorp).